The following is an entry in ClinVar:

ClinVar aggregate classification (germline): Uncertain significance (1 of 4 stars; one submission).

Conditions:
GRM1-related disorder. Also called: GRM1-related condition.

gnomAD v4.1: 11 of 1,612,208 alleles (0.00068%); highest among the groups gnomAD compares: Non-Finnish European, 0.00093%; no homozygotes.

Submission:

PreventionGenetics, part of Exact Sciences
Classification: Uncertain significance for GRM1-related condition. Last evaluated: 2025-02-05. Review status: criteria provided, single submitter. Criteria: ACMG Guidelines, 2015. Collection method: clinical testing. Allele origin: germline.
Comment: The GRM1 c.938C>T variant is predicted to result in the amino acid substitution p.Ser313Leu. To our knowledge, this variant has not been reported in the literature. This variant is reported in 0.00089% of alleles in individuals of European (Non-Finnish) descent in gnomAD. At this time, the clinical significance of this variant is uncertain due to the absence of conclusive functional and genetic evidence.

NM_001278064.2(GRM1):c.938C>T (p.Ser313Leu)

Gene: GRM1 (glutamate metabotropic receptor 1; plus strand). Cytogenetic location: 6q24.3.
Variant type: single nucleotide variant.
Coding change: c.938C>T on transcript NM_001278064.2 (MANE Select); coding-DNA position 938, C replaced by T.
Protein change: p.Ser313Leu; replaces serine 313 with leucine.
Molecular consequence: missense variant.
Genome position (GRCh38, 1-based): chr6:146,159,585, C>T. VCF-style: chr6-146159585-C-T. GRCh37 (hg19) VCF-style: chr6-146480721-C-T.
Other names: c.938C>T, p.Ser313Leu (NM_001278065.2, NM_001278066.1, NM_001278067.1); short protein forms S313L.
Identifiers: ClinVar variation 4982102 (VCV004982102.1).
Genomic context (GRCh38, chr6:146,159,585, plus strand): 5'-GCATGACAGTGCGAGGACTCCTGAGCGCCATGCGGCGCCTTGGCGTCGTGGGCGAGTTCT[C>T]ACTCATTGGAAGGTAAGTTTCTCTCTCTCTCTCTCTCTCTCTCTCTCTCTCTCTCTCACA-3'
Protein context (NP_001264993.1, residues 303-323): MRRLGVVGEF[Ser313Leu]LIGSDGWADR